The following is an entry in ClinVar:

NM_001206927.2(DNAH8):c.6985G>T (p.Val2329Leu)

Gene: DNAH8 (dynein axonemal heavy chain 8; plus strand). Cytogenetic location: 6p21.2.
Variant type: single nucleotide variant.
Coding change: c.6985G>T on transcript NM_001206927.2 (MANE Select); coding-DNA position 6985, G replaced by T.
Protein change: p.Val2329Leu; replaces valine 2329 with leucine.
Molecular consequence: missense variant.
Genome position (GRCh38, 1-based): chr6:38,870,557, G>T. VCF-style: chr6-38870557-G-T. GRCh37 (hg19) VCF-style: chr6-38838333-G-T.
Other names: c.6334G>T, p.Val2112Leu (NM_001371.4); short protein forms V2329L, V2112L.
Identifiers: ClinVar variation 407287 (VCV000407287.10), dbSNP rs143397128, ClinGen allele CA3789799.
Genomic context (GRCh38, chr6:38,870,557, plus strand): 5'-GTAGCCCATCAGGTTCAGATAGAGGGTTTGATTAACCATCCACCCTGGAACCTGAAACTC[G>T]TGCAGGTAAAGACATTTTAATCTATTATTAGTATAATGATAAGTATGTGTTAAACATTCC-3'
Protein context (NP_001193856.1, residues 2319-2339): INHPPWNLKL[Val2329Leu]QLYETSLVRH

ClinVar aggregate classification (germline): Uncertain significance. Review status: criteria provided, multiple submitters, no conflicts (2 of 4 stars). 3 submissions from 3 submitters: Uncertain significance (3). Last evaluated 2025-06-11.

Conditions:
Primary ciliary dyskinesia. Also called: Ciliary dyskinesia. Identifiers: Orphanet 244, MedGen C0008780, MONDO:0016575, HP:0012265.

Allele frequency attached by ClinVar (database versions not stated): ExAC 0.00009; ESP Exome Variant Server 0.00015; TOPMed 0.00022.
gnomAD v4.1: 520 of 1,613,230 alleles (0.032%); highest among the groups gnomAD compares: Non-Finnish European, 0.042%; 1 homozygote.

Submissions (3):

GeneDx
Classification: Uncertain significance. Last evaluated: 2025-06-11. Review status: criteria provided, single submitter. Criteria: GeneDx Variant Classification Process June 2021. Collection method: clinical testing. Allele origin: germline. Affected: yes.
Comment: In silico analysis suggests that this missense variant does not alter protein structure/function; Has not been previously published as pathogenic or benign to our knowledge

Labcorp Genetics (formerly Invitae), Labcorp
Classification: Uncertain significance for Primary ciliary dyskinesia. Last evaluated: 2024-12-07. Review status: criteria provided, single submitter. Criteria: Invitae Variant Classification Sherloc (09022015). Collection method: clinical testing. Allele origin: germline.
Comment: This sequence change replaces valine, which is neutral and non-polar, with leucine, which is neutral and non-polar, at codon 2329 of the DNAH8 protein (p.Val2329Leu). This variant is present in population databases (rs143397128, gnomAD 0.03%). This variant has not been reported in the literature in individuals affected with DNAH8-related conditions. ClinVar contains an entry for this variant (Variation ID: 407287). Invitae Evidence Modeling of protein sequence and biophysical properties (such as structural, functional, and spatial information, amino acid conservation, physicochemical variation, residue mobility, and thermodynamic stability) indicates that this missense variant is not expected to disrupt DNAH8 protein function with a negative predictive value of 80%. In summary, the available evidence is currently insufficient to determine the role of this variant in disease. Therefore, it has been classified as a Variant of Uncertain Significance.

Ambry Genetics
Classification: Uncertain significance. Last evaluated: 2024-11-21. Review status: criteria provided, single submitter. Criteria: Ambry Variant Classification Scheme 2023. Collection method: clinical testing. Allele origin: germline.